The following is an entry in ClinVar:

ClinVar aggregate classification (germline): Pathogenic (1 of 4 stars; one submission).

Conditions:
Familial cancer of breast. Also called: BREAST CANCER, FAMILIAL; hereditary breast carcinoma; Hereditary breast cancer. Identifiers: Orphanet 227535, MedGen C0346153, MONDO:0016419, OMIM 114480. Disease mechanism: loss of function.
Fanconi anemia complementation group J. Also called: BRIP1-Related Fanconi Anemia. Identifiers: Orphanet 84, MedGen C1836860, MONDO:0012187, OMIM 609054.

Submission:

Labcorp Genetics (formerly Invitae), Labcorp
Classification: Pathogenic for Familial cancer of breast; Fanconi anemia complementation group J. Last evaluated: 2023-12-05. Review status: criteria provided, single submitter. Criteria: Invitae Variant Classification Sherloc (09022015). Collection method: clinical testing. Allele origin: unknown.
Comment: This variant is a gross deletion of the genomic region encompassing exon(s) 5-6 of the BRIP1 gene. This deletion is out-of-frame, and is expected to create a premature termination codon and result in an absent or disrupted protein product. Loss-of-function variants in BRIP1 are known to be pathogenic (PMID: 16116423, 17033622, 21964575). This variant has not been reported in the literature in individuals affected with BRIP1-related conditions. For these reasons, this variant has been classified as Pathogenic.

Literature cited by the submitters: PubMed 16116423; PubMed 17033622; PubMed 21964575.

NC_000017.10:g.(?_59924442)_(59926637_?)del

Gene: BRIP1 (BRCA1 interacting DNA helicase 1; minus strand). Cytogenetic location: 17q23.2.
Variant type: Deletion.
Identifiers: ClinVar variation 3242960 (VCV003242960.1).